The following is an entry in ClinVar:

ClinVar aggregate classification (germline): Uncertain significance (1 of 4 stars; one submission).

Conditions:
Joubert syndrome 18 (JBTS18). Identifiers: Orphanet 2754, MedGen C3553758, MONDO:0013896, OMIM 614815.
Orofacial-digital syndrome IV (OFD4). Also called: BARAITSER-BURN SYNDROME; MOHR-MAJEWSKI SYNDROME; OFD SYNDROME WITH TIBIAL DEFECTS; OFD SYNDROME, BARAITSER-BURN TYPE; OFDS IV; ORAL-FACIAL-DIGITAL SYNDROME, TYPE IV. Identifiers: Orphanet 2753, MedGen C0406727, MONDO:0009794, OMIM 258860.

Allele frequency attached by ClinVar (database versions not stated): TOPMed below 0.00001; gnomAD 0.00001.

Submission:

Labcorp Genetics (formerly Invitae), Labcorp
Classification: Uncertain significance for Joubert syndrome 18; Orofacial-digital syndrome IV. Last evaluated: 2022-02-08. Review status: criteria provided, single submitter. Criteria: Invitae Variant Classification Sherloc (09022015). Collection method: clinical testing. Allele origin: germline.
Comment: In summary, the available evidence is currently insufficient to determine the role of this variant in disease. Therefore, it has been classified as a Variant of Uncertain Significance. Algorithms developed to predict the effect of missense changes on protein structure and function output the following: SIFT: "Tolerated"; PolyPhen-2: "Benign"; Align-GVGD: "Class C0". The arginine amino acid residue is found in multiple mammalian species, which suggests that this missense change does not adversely affect protein function. This variant has not been reported in the literature in individuals affected with TCTN3-related conditions. This variant is not present in population databases (gnomAD no frequency). This sequence change replaces glycine, which is neutral and non-polar, with arginine, which is basic and polar, at codon 41 of the TCTN3 protein (p.Gly41Arg).

NM_015631.6(TCTN3):c.121G>A (p.Gly41Arg)

Genes: TCTN3 (tectonic family member 3; minus strand), LOC130004408 (ATAC-STARR-seq lymphoblastoid active region 3801; plus strand). Cytogenetic location: 10q24.1.
Variant type: single nucleotide variant.
Coding change: c.121G>A on transcript NM_015631.6 (MANE Select); coding-DNA position 121, G replaced by A.
Protein change: p.Gly41Arg; replaces glycine 41 with arginine.
Molecular consequence: missense variant.
Genome position (GRCh38, 1-based): chr10:95,693,779, C>T on the plus strand (G>A on the coding strand, the complement: TCTN3 is on the minus strand). VCF-style: chr10-95693779-C-T. GRCh37 (hg19) VCF-style: chr10-97453536-C-T.
Other names: c.121G>A, p.Gly41Arg (NM_001143973.2); short protein forms G41R.
Identifiers: ClinVar variation 1417131 (VCV001417131.6), dbSNP rs1194762228, ClinGen allele CA377713722.